The following is an entry in ClinVar:

NM_004519.4(KCNQ3):c.1262+269T>C

Gene: KCNQ3 (potassium voltage-gated channel subfamily Q member 3; minus strand). Cytogenetic location: 8q24.22.
Variant type: single nucleotide variant.
Coding change: c.1262+269T>C on transcript NM_004519.4 (MANE Select); 269 bases into the intron after coding-DNA position 1262, T replaced by C.
Molecular consequence: intron variant.
Genome position (GRCh38, 1-based): chr8:132,163,199, A>G on the plus strand (T>C on the coding strand, the complement: KCNQ3 is on the minus strand). VCF-style: chr8-132163199-A-G. GRCh37 (hg19) VCF-style: chr8-133175446-A-G.
Other names: c.902+269T>C (NM_001204824.2).
Identifiers: ClinVar variation 683736 (VCV000683736.1), dbSNP rs1432030, ClinGen allele CA186222115.

ClinVar aggregate classification (germline): Benign (1 of 4 stars; one submission).

Allele frequency attached by ClinVar (database versions not stated): 1000 Genomes Project 0.87400; 1000 Genomes Project 30x 0.88367; gnomAD 0.94611 and 0.95475; TOPMed 0.95520.
gnomAD v4.1: 144,102 of 152,262 alleles (95%); highest among the groups gnomAD compares: African/African-American, 99%; 68,513 homozygotes.

Submission:

GeneDx
Classification: Benign. Last evaluated: 2018-06-18. Review status: criteria provided, single submitter. Criteria: GeneDx Variant Classification (06012015). Collection method: clinical testing. Allele origin: germline. Affected: yes.
Comment: This variant is considered likely benign or benign based on one or more of the following criteria: it is a conservative change, it occurs at a poorly conserved position in the protein, it is predicted to be benign by multiple in silico algorithms, and/or has population frequency not consistent with disease.